The following is an entry in ClinVar:

NM_080608.4(SPATA25):c.540C>T (p.Ala180=)

Gene: SPATA25 (spermatogenesis associated 25; minus strand). Cytogenetic location: 20q13.12.
Variant type: single nucleotide variant.
Coding change: c.540C>T on transcript NM_080608.4 (MANE Select); coding-DNA position 540, C replaced by T.
Protein change: p.Ala180=; no amino-acid change (alanine 180 retained).
Molecular consequence: synonymous variant.
Genome position (GRCh38, 1-based): chr20:45,886,661, G>A on the plus strand (C>T on the coding strand, the complement: SPATA25 is on the minus strand). VCF-style: chr20-45886661-G-A. GRCh37 (hg19) VCF-style: chr20-44515300-G-A.
Identifiers: ClinVar variation 4821400 (VCV004821400.4).

ClinVar aggregate classification (germline): Likely benign (1 of 4 stars; one submission).

gnomAD v4.1: 38 of 1,613,974 alleles (0.0024%); highest among the groups gnomAD compares: Non-Finnish European, 0.0029%; no homozygotes.

Submission:

CeGaT Center for Human Genetics Tuebingen
Classification: Likely benign. Last evaluated: 2026-02-01. Review status: criteria provided, single submitter. Criteria: CeGaT Center For Human Genetics Tuebingen Variant Classification Criteria Version 2. Collection method: clinical testing. Allele origin: germline. Affected: yes. Observed: 1 variant allele.
Comment: SPATA25: BP4, BP7